The following is an entry in ClinVar:

NM_001211.6(BUB1B):c.3013G>A (p.Asp1005Asn)

Genes: BUB1B (BUB1 mitotic checkpoint serine/threonine kinase B; plus strand), BUB1B-PAK6 (BUB1B-PAK6 readthrough; plus strand). Cytogenetic location: 15q15.1.
Variant type: single nucleotide variant.
Coding change: c.3013G>A on transcript NM_001211.6 (MANE Select); coding-DNA position 3013, G replaced by A.
Protein change: p.Asp1005Asn; replaces aspartic acid 1005 with asparagine.
Molecular consequence: missense variant. On other transcripts: intron variant (2).
Genome position (GRCh38, 1-based): chr15:40,220,619, G>A. VCF-style: chr15-40220619-G-A. GRCh37 (hg19) VCF-style: chr15-40512820-G-A.
Other names: c.-201+2952G>A (NM_001128628.3); c.-118+2952G>A (NM_001128629.3); short protein forms D1005N.
Identifiers: ClinVar variation 3221417 (VCV003221417.1), dbSNP rs781600621, ClinGen allele CA7476182.

ClinVar aggregate classification (germline): Uncertain significance (1 of 4 stars; one submission).

Conditions:
Inborn genetic diseases. Identifiers: MedGen C0950123, MeSH D030342.

Allele frequency attached by ClinVar (database versions not stated): ExAC 0.00001.
gnomAD v4.1: 6 of 1,614,216 alleles (0.00037%); highest among the groups gnomAD compares: Non-Finnish European, 0.000085%; no homozygotes.

Submission:

Ambry Genetics
Classification: Uncertain significance for Inborn genetic diseases. Last evaluated: 2023-12-14. Review status: criteria provided, single submitter. Criteria: Ambry Variant Classification Scheme 2023. Collection method: clinical testing. Allele origin: germline.
Comment: The p.D1005N variant (also known as c.3013G>A), located in coding exon 23 of the BUB1B gene, results from a G to A substitution at nucleotide position 3013. The aspartic acid at codon 1005 is replaced by asparagine, an amino acid with highly similar properties. This amino acid position is conserved. In addition, this alteration is predicted to be tolerated by in silico analysis. Since supporting evidence is limited at this time, the clinical significance of this alteration remains unclear.